The following is an entry in ClinVar:

NM_005689.4(ABCB6):c.1485T>C (p.Val495=)

Gene: ABCB6 (ATP binding cassette subfamily B member 6 (LAN blood group); minus strand). Cytogenetic location: 2q35.
Variant type: single nucleotide variant.
Coding change: c.1485T>C on transcript NM_005689.4 (MANE Select); coding-DNA position 1485, T replaced by C.
Protein change: p.Val495=; no amino-acid change (valine 495 retained).
Molecular consequence: synonymous variant.
Genome position (GRCh38, 1-based): chr2:219,213,919, A>G on the plus strand (T>C on the coding strand, the complement: ABCB6 is on the minus strand). VCF-style: chr2-219213919-A-G. GRCh37 (hg19) VCF-style: chr2-220078641-A-G.
Other names: p.Val495=; c.1347T>C, p.Val449= (NM_001349828.2).
Identifiers: ClinVar variation 4684643 (VCV004684643.2).
Genomic context (GRCh38, chr2:219,213,919, plus strand): 5'-AAGCAGGGAGCCGGCGAGGAGCCCGAGCCCAATCACCAGGTTCTGGGTCTGATTTAGTAA[A>G]ACCAGTGAAGCGCTCGACTTCCACTCCAAACCCTGAGGGCAATAACACAGGAAGAGGAAT-3'
Protein context (NP_005680.1, residues 485-505): GLEWKSSASL[Val495=]LLNQTQNLVI

ClinVar aggregate classification (germline): Likely benign. Review status: criteria provided, multiple submitters, no conflicts (2 of 4 stars). 2 submissions from 2 submitters: Likely benign (2). Last evaluated 2025-03-26.

Submissions (2):

Mayo Clinic Laboratories, Mayo Clinic
Classification: Likely benign. Last evaluated: 2025-03-26. Review status: criteria provided, single submitter. Criteria: ACMG Guidelines, 2015. Collection method: clinical testing. Allele origin: germline. Observed: 1 variant allele.
Comment: BP4, BP7, PM2_supporting

Blueprint Genetics
Classification: Likely benign. Last evaluated: 2022-12-14. Review status: criteria provided, single submitter. Criteria: ACMG Guidelines, 2015. Collection method: clinical testing. Allele origin: germline.